The following is an entry in ClinVar:

ClinVar aggregate classification (germline): Pathogenic (1 of 4 stars; one submission).

Submission:

Labcorp Genetics (formerly Invitae), Labcorp
Classification: Pathogenic. Last evaluated: 2022-07-16. Review status: criteria provided, single submitter. Criteria: Invitae Variant Classification Sherloc (09022015). Collection method: clinical testing. Allele origin: germline.
Comment: For these reasons, this variant has been classified as Pathogenic. This variant disrupts a region of the ZMYND11 protein in which other variant(s) (p.His281Pro) have been determined to be pathogenic (Invitae). This suggests that this is a clinically significant region of the protein, and that variants that disrupt it are likely to be disease-causing. This variant has not been reported in the literature in individuals affected with ZMYND11-related conditions. This variant is a gross deletion of the genomic region encompassing exon(s) 4-15 of the ZMYND11 gene, which includes the termination codon. This deletion extends beyond the assayed region for this gene and therefore may encompass additional genes. While this deletion is not anticipated to lead to nonsense mediated decay, it is expected to alter mRNA translation or result in a truncated protein product.

NC_000010.10:g.(?_267115)_(298410_?)del

Gene: ZMYND11 (zinc finger MYND-type containing 11; plus strand). Cytogenetic location: 10p15.3.
Variant type: Deletion.
Identifiers: ClinVar variation 2425623 (VCV002425623.4).